The following is an entry in ClinVar:

NM_001003800.2(BICD2):c.833T>C (p.Val278Ala)

Gene: BICD2 (BICD cargo adaptor 2; minus strand). Cytogenetic location: 9q22.31.
Variant type: single nucleotide variant.
Coding change: c.833T>C on transcript NM_001003800.2 (MANE Select); coding-DNA position 833, T replaced by C.
Protein change: p.Val278Ala; replaces valine 278 with alanine.
Molecular consequence: missense variant.
Genome position (GRCh38, 1-based): chr9:92,720,529, A>G on the plus strand (T>C on the coding strand, the complement: BICD2 is on the minus strand). VCF-style: chr9-92720529-A-G. GRCh37 (hg19) VCF-style: chr9-95482811-A-G.
Other names: c.833T>C, p.Val278Ala (NM_015250.4); short protein forms V278A.
Identifiers: ClinVar variation 1024766 (VCV001024766.9), dbSNP rs1853441867, ClinGen allele CA374043339.

ClinVar aggregate classification (germline): Uncertain significance (1 of 4 stars; one submission).

Conditions:
Autosomal dominant childhood-onset proximal spinal muscular atrophy with contractures (SMALED2A). Also called: SPINAL MUSCULAR ATROPHY, LOWER EXTREMITY-PREDOMINANT, 2A, CHILDHOOD ONSET, AUTOSOMAL DOMINANT; Spinal muscular atrophy, lower extremity-predominant, 2A, autosomal dominant. Identifiers: Orphanet 363447, Orphanet 363454, MedGen C4747715, MONDO:0014121, OMIM 615290.

Allele frequency attached by ClinVar (database versions not stated): gnomAD exomes below 0.00001.
gnomAD v4.1: 3 of 1,614,170 alleles (0.00019%); highest among the groups gnomAD compares: Non-Finnish European, 0.00017%; no homozygotes.

Submission:

Labcorp Genetics (formerly Invitae), Labcorp
Classification: Uncertain significance for Autosomal dominant childhood-onset proximal spinal muscular atrophy with contractures. Last evaluated: 2020-08-05. Review status: criteria provided, single submitter. Criteria: Invitae Variant Classification Sherloc (09022015). Collection method: clinical testing. Allele origin: germline.
Comment: In summary, the available evidence is currently insufficient to determine the role of this variant in disease. Therefore, it has been classified as a Variant of Uncertain Significance. Advanced modeling of protein sequence and biophysical properties (such as structural, functional, and spatial information, amino acid conservation, physicochemical variation, residue mobility, and thermodynamic stability) performed at Invitae indicates that this missense variant is not expected to disrupt BICD2 protein function. This variant has not been reported in the literature in individuals with BICD2-related conditions. This variant is not present in population databases (ExAC no frequency). This sequence change replaces valine with alanine at codon 278 of the BICD2 protein (p.Val278Ala). The valine residue is moderately conserved and there is a small physicochemical difference between valine and alanine.